The following is an entry in ClinVar:

NM_000310.4(PPT1):c.443G>A (p.Gly148Glu)

Gene: PPT1 (palmitoyl-protein thioesterase 1; minus strand). Cytogenetic location: 1p34.2.
Variant type: single nucleotide variant.
Coding change: c.443G>A on transcript NM_000310.4 (MANE Select); coding-DNA position 443, G replaced by A.
Protein change: p.Gly148Glu; replaces glycine 148 with glutamic acid.
Molecular consequence: missense variant.
Genome position (GRCh38, 1-based): chr1:40,089,503, C>T on the plus strand (G>A on the coding strand, the complement: PPT1 is on the minus strand). VCF-style: chr1-40089503-C-T. GRCh37 (hg19) VCF-style: chr1-40555175-C-T.
Other names: c.134G>A, p.Gly45Glu (NM_001142604.2); c.443G>A, p.Gly148Glu (NM_001363695.2); short protein forms G148E, G45E.
Identifiers: ClinVar variation 1716604 (VCV001716604.3), dbSNP rs2523675772, ClinGen allele CA339848763.

ClinVar aggregate classification (germline): Uncertain significance (1 of 4 stars; one submission).

Conditions:
Neuronal ceroid lipofuscinosis 1 (CLN1). Also called: CEROID LIPOFUSCINOSIS, NEURONAL, 1, VARIABLE AGE AT ONSET; PPT1-Related Neuronal Ceroid-Lipofuscinosis. Identifiers: Orphanet 228329, MedGen C1850451, MONDO:0009744, OMIM 256730.

Submission:

Labcorp Genetics (formerly Invitae), Labcorp
Classification: Uncertain significance for Neuronal ceroid lipofuscinosis 1. Last evaluated: 2022-07-24. Review status: criteria provided, single submitter. Criteria: Invitae Variant Classification Sherloc (09022015). Collection method: clinical testing. Allele origin: germline.
Comment: This sequence change replaces glycine, which is neutral and non-polar, with glutamic acid, which is acidic and polar, at codon 148 of the PPT1 protein (p.Gly148Glu). This variant is not present in population databases (gnomAD no frequency). This variant has not been reported in the literature in individuals affected with PPT1-related conditions. Advanced modeling of protein sequence and biophysical properties (such as structural, functional, and spatial information, amino acid conservation, physicochemical variation, residue mobility, and thermodynamic stability) performed at Invitae indicates that this missense variant is expected to disrupt PPT1 protein function. In summary, the available evidence is currently insufficient to determine the role of this variant in disease. Therefore, it has been classified as a Variant of Uncertain Significance.